The following is an entry in ClinVar:

ClinVar aggregate classification (germline): Uncertain significance (1 of 4 stars; one submission).

Conditions:
Walker-Warburg congenital muscular dystrophy. Also called: Muscular dystrophy-dystroglycanopathy, type A; Walker-Warburg syndrome. Identifiers: Orphanet 899, MedGen C0265221, MONDO:0000171.

Allele frequency attached by ClinVar (database versions not stated): gnomAD exomes below 0.00001.
gnomAD v4.1: 2 of 1,614,008 alleles (0.00012%); highest among the groups gnomAD compares: African/African-American, 0.0013%; no homozygotes.

Submission:

Labcorp Genetics (formerly Invitae), Labcorp
Classification: Uncertain significance for Walker-Warburg congenital muscular dystrophy. Last evaluated: 2021-08-27. Review status: criteria provided, single submitter. Criteria: Invitae Variant Classification Sherloc (09022015). Collection method: clinical testing. Allele origin: germline.
Comment: This sequence change replaces leucine with methionine at codon 393 of the FKTN protein (p.Leu393Met). The leucine residue is moderately conserved and there is a small physicochemical difference between leucine and methionine. This variant is not present in population databases (ExAC no frequency). This variant has not been reported in the literature in individuals affected with FKTN-related conditions. Algorithms developed to predict the effect of missense changes on protein structure and function (SIFT, PolyPhen-2, Align-GVGD) all suggest that this variant is likely to be tolerated. In summary, the available evidence is currently insufficient to determine the role of this variant in disease. Therefore, it has been classified as a Variant of Uncertain Significance.

NM_001079802.2(FKTN):c.1177C>A (p.Leu393Met)

Gene: FKTN (fukutin; plus strand). Cytogenetic location: 9q31.2.
Variant type: single nucleotide variant.
Coding change: c.1177C>A on transcript NM_001079802.2 (MANE Select); coding-DNA position 1177, C replaced by A.
Protein change: p.Leu393Met; replaces leucine 393 with methionine.
Molecular consequence: missense variant. On other transcripts: non-coding transcript variant (2).
Genome position (GRCh38, 1-based): chr9:105,635,055, C>A. VCF-style: chr9-105635055-C-A. GRCh37 (hg19) VCF-style: chr9-108397336-C-A.
Other names: c.1177C>A, p.Leu393Met (NM_001198963.2, NM_001351496.2, NM_006731.2); c.1108C>A, p.Leu370Met (NM_001351497.2); c.1208C>A, p.Pro403His (NM_001351498.2); c.781C>A, p.Leu261Met (NM_001351499.2, NM_001351500.2, NM_001351501.2 and 1 more transcripts); short protein forms P403H, L393M, L370M, L261M.
Identifiers: ClinVar variation 1467245 (VCV001467245.5), dbSNP rs1249398294, ClinGen allele CA374378011.